The following is an entry in ClinVar:

ClinVar aggregate classification (germline): Conflicting classifications of pathogenicity. Review status: criteria provided, conflicting classifications (1 of 4 stars). 5 submissions from 5 submitters: Uncertain significance (4); Likely benign (1). Last evaluated 2026-04-14.

Conditions:
Joubert syndrome 6 (JBTS6). Identifiers: Orphanet 475, MedGen C1853153, MONDO:0012539, OMIM 610688.
Nephronophthisis 11 (NPHP11). Identifiers: Orphanet 84081, MedGen C3150796, MONDO:0013302, OMIM 613550.
Bardet-Biedl syndrome 14 (BBS14). Identifiers: Orphanet 110, MedGen C2673874, MONDO:0014442, OMIM 615991.
COACH syndrome 1. Identifiers: Orphanet 1454, MedGen C5435651, MONDO:0800103, OMIM 216360, MONDO:0008996.
RHYNS syndrome. Also called: RETINITIS PIGMENTOSA SYNDROME; RETINITIS PIGMENTOSA, HYPOPITUITARISM, NEPHRONOPHTHISIS, AND MILD SKELETAL DYSPLASIA. Identifiers: Orphanet 140976, MedGen C1865794, MONDO:0011202, OMIM 602152.
Meckel syndrome, type 3 (MKS3). Also called: MECKEL-GRUBER SYNDROME, TYPE 3. Identifiers: Orphanet 564, MedGen C1846357, MONDO:0011821, OMIM 607361.
Inborn genetic diseases. Identifiers: MedGen C0950123, MeSH D030342.
TMEM67-related disorder. Also called: TMEM67-related condition; TMEM67-related disorders. Identifiers: MedGen CN239423.
Meckel-Gruber syndrome. Also called: DYSENCEPHALIA SPLANCHNOCYSTICA; Dysencephalia splachnocystica; GRUBER SYNDROME. Identifiers: Orphanet 564, MedGen C0265215, MONDO:0018921.
Joubert syndrome. Also called: Familial aplasia of the vermis; JOUBERT-BOLTSHAUSER SYNDROME. Identifiers: Orphanet 475, MedGen C5979921, MONDO:0018772.

Allele frequency attached by ClinVar (database versions not stated): TOPMed below 0.00001; gnomAD exomes 0.00003 and 0.00008; ExAC 0.00007.
gnomAD v4.1: 18 of 1,614,074 alleles (0.0011%); highest among the groups gnomAD compares: Admixed American, 0.03%; no homozygotes.

Submissions (5):

PreventionGenetics, part of Exact Sciences
Classification: Uncertain significance for TMEM67-related condition. Last evaluated: 2026-04-14. Review status: criteria provided, single submitter. Criteria: ACMG Guidelines, 2015. Collection method: clinical testing. Allele origin: germline.
Comment: The TMEM67 c.43T>A variant is predicted to result in the amino acid substitution p.Ser15Thr. To our knowledge, this variant has not been reported in the literature. This variant is reported in 0.061% of alleles in individuals of Latino descent in gnomAD. Although we suspect that this variant may be benign, at this time, the clinical significance of this variant is uncertain due to the absence of conclusive functional and genetic evidence.

Labcorp Genetics (formerly Invitae), Labcorp
Classification: Likely benign for Joubert syndrome; Meckel-Gruber syndrome. Last evaluated: 2025-10-28. Review status: criteria provided, single submitter. Criteria: Invitae Variant Classification Sherloc (09022015). Collection method: clinical testing. Allele origin: germline.

Ambry Genetics
Classification: Uncertain significance for Inborn genetic diseases. Last evaluated: 2025-08-15. Review status: criteria provided, single submitter. Criteria: Ambry Variant Classification Scheme 2023. Collection method: clinical testing. Allele origin: germline.

Fulgent Genetics
Classification: Uncertain significance for COACH syndrome 1; RHYNS syndrome; Meckel syndrome, type 3; Joubert syndrome 6; Nephronophthisis 11; Bardet-Biedl syndrome 14. Last evaluated: 2021-09-20. Review status: criteria provided, single submitter. Criteria: ACMG Guidelines, 2015. Collection method: clinical testing. Allele origin: unknown.

Women's Health and Genetics/Laboratory Corporation of America, LabCorp
Classification: Uncertain significance. Last evaluated: 2020-08-19. Review status: criteria provided, single submitter. Criteria: LabCorp Variant Classification Summary - May 2015. Collection method: clinical testing. Allele origin: germline.
Comment: Variant summary: TMEM67 c.43T>A (p.Ser15Thr) results in a conservative amino acid change in the encoded protein sequence. Five of five in-silico tools predict a benign effect of the variant on protein function. The variant allele was found at a frequency of 8.4e-05 in 251436 control chromosomes, predominantly at a frequency of 0.00061 within the Latino subpopulation in the gnomAD database. This frequency is lower than the estimated maximum allele frequency expected for a pathogenic variant in TMEM67 causing Joubert Syndrome 6 (0.00061 vs 0.004), allowing no conclusion about variant significance. To our knowledge, no occurrence of c.43T>A in individuals affected with Joubert Syndrome 6 and no experimental evidence demonstrating its impact on protein function have been reported. No clinical diagnostic laboratories have submitted clinical-significance assessments for this variant to ClinVar after 2014. Based on the evidence outlined above, the variant was classified as uncertain significance.

NM_153704.6(TMEM67):c.43T>A (p.Ser15Thr)

Gene: TMEM67 (transmembrane protein 67; plus strand). Cytogenetic location: 8q22.1.
Variant type: single nucleotide variant.
Coding change: c.43T>A on transcript NM_153704.6 (MANE Select); coding-DNA position 43, T replaced by A.
Protein change: p.Ser15Thr; replaces serine 15 with threonine.
Molecular consequence: missense variant. On other transcripts: non-coding transcript variant (1), intron variant (1).
Genome position (GRCh38, 1-based): chr8:93,754,957, T>A. VCF-style: chr8-93754957-T-A. GRCh37 (hg19) VCF-style: chr8-94767185-T-A.
Other names: c.-180+48T>A (NM_001142301.1); short protein forms S15T.
Identifiers: ClinVar variation 928828 (VCV000928828.10), dbSNP rs748221725, ClinGen allele CA4807502.